The following is an entry in ClinVar:

NM_152564.5(VPS13B):c.6752T>C (p.Val2251Ala)

Gene: VPS13B (vacuolar protein sorting 13 homolog B; plus strand). Cytogenetic location: 8q22.2.
Variant type: single nucleotide variant.
Coding change: c.6752T>C on transcript NM_152564.5 (MANE Select); coding-DNA position 6752, T replaced by C.
Protein change: p.Val2251Ala; replaces valine 2251 with alanine.
Molecular consequence: missense variant.
Genome position (GRCh38, 1-based): chr8:99,720,439, T>C. VCF-style: chr8-99720439-T-C. GRCh37 (hg19) VCF-style: chr8-100732667-T-C.
Other names: c.6827T>C, p.Val2276Ala (NM_017890.5); c.6827T>C (NM_017890.3); c.6752T>C (NM_152564.4); short protein forms V2251A, V2276A.
Identifiers: ClinVar variation 970986 (VCV000970986.17), dbSNP rs147576864, ClinGen allele CA4824086.
Genomic context (GRCh38, chr8:99,720,439, plus strand): 5'-TTCTTCTACATGAATTACTCAATGGATACCTTAATGAGGAGGGAAATTTTGAAGTACAAG[T>C]TTCTGAACCAGTGCCTCAAATGTCATCTCCTGTGGAAAAGAATCAGACATTTAAAAGTGA-3'
Protein context (NP_689777.3, residues 2241-2261): LNEEGNFEVQ[Val2251Ala]SEPVPQMSSP

ClinVar aggregate classification (germline): Conflicting classifications of pathogenicity. Review status: criteria provided, conflicting classifications (1 of 4 stars). 5 submissions from 5 submitters: Uncertain significance (2); Likely benign (2). 1 of the submissions does not count toward it. Last evaluated 2026-02-02.

Conditions:
Inborn genetic diseases. Identifiers: MedGen C0950123, MeSH D030342.
VPS13B-related disorder. Also called: VPS13B-related condition.
Cohen syndrome (COH1). Also called: PEPPER SYNDROME; Cutis verticis gyrata, retinitis pigmentosa, and sensorineural deafness. Identifiers: Orphanet 193, MedGen C0265223, MONDO:0008999, OMIM 216550.

Allele frequency attached by ClinVar (database versions not stated): gnomAD exomes 0.00001 and 0.00006; ExAC 0.00005; ESP Exome Variant Server 0.00015; 1000 Genomes Project 30x 0.00016; 1000 Genomes Project 0.00020; gnomAD 0.00022 and 0.00024; TOPMed 0.00025.
gnomAD v4.1: 52 of 1,614,018 alleles (0.0032%); highest among the groups gnomAD compares: African/African-American, 0.06%; no homozygotes.

Submissions (5):

Labcorp Genetics (formerly Invitae), Labcorp
Classification: Likely benign for Cohen syndrome. Last evaluated: 2026-02-02. Review status: criteria provided, single submitter. Criteria: Invitae Variant Classification Sherloc (09022015). Collection method: clinical testing. Allele origin: germline.

Ambry Genetics
Classification: Uncertain significance for Inborn genetic diseases. Last evaluated: 2024-08-20. Review status: criteria provided, single submitter. Criteria: Ambry Variant Classification Scheme 2023. Collection method: clinical testing. Allele origin: germline.

Blueprint Genetics
Classification: Likely benign. Last evaluated: 2022-11-02. Review status: criteria provided, single submitter. Criteria: ACMG Guidelines, 2015. Collection method: clinical testing. Allele origin: germline.

Genetic Services Laboratory, University of Chicago
Classification: Uncertain significance. Last evaluated: 2017-10-24. Review status: criteria provided, single submitter. Criteria: ACMG Guidelines, 2015. Collection method: clinical testing. Allele origin: germline. Affected: no.

PreventionGenetics, part of Exact Sciences
Classification: Uncertain significance for VPS13B-related condition. Last evaluated: 2024-08-07. Review status: no assertion criteria provided. Collection method: clinical testing. Allele origin: germline. Not counted in ClinVar's aggregate classification.
Comment: The VPS13B c.6752T>C variant is predicted to result in the amino acid substitution p.Val2251Ala. To our knowledge, this variant has not been reported in the literature. This variant is reported in 0.076% of alleles in individuals of African descent in gnomAD, which may be too common to be an undocumented pathogenic variant. Although we suspect that this variant may be benign, at this time, the clinical significance of this variant is uncertain due to the absence of conclusive functional and genetic evidence.